The following is an entry in ClinVar:

NM_020066.5(FMN2):c.3029C>T (p.Pro1010Leu)

Gene: FMN2 (formin 2; plus strand). Cytogenetic location: 1q43.
Variant type: single nucleotide variant.
Coding change: c.3029C>T on transcript NM_020066.5 (MANE Select); coding-DNA position 3029, C replaced by T.
Protein change: p.Pro1010Leu; replaces proline 1010 with leucine.
Molecular consequence: missense variant. On other transcripts: intron variant (1).
Genome position (GRCh38, 1-based): chr1:240,207,841, C>T. VCF-style: chr1-240207841-C-T. GRCh37 (hg19) VCF-style: chr1-240371141-C-T.
Other names: c.3041C>T, p.Pro1014Leu (NM_001305424.2); c.1986+19579C>T (NM_001348094.2); short protein forms P1010L, P1014L.
Identifiers: ClinVar variation 3057646 (VCV003057646.1), dbSNP rs756426957, ClinGen allele CA1476995.

ClinVar aggregate classification (germline): Likely benign (1 of 4 stars; one submission).

Conditions:
FMN2-related disorder. Also called: FMN2-related condition.

Allele frequency attached by ClinVar (database versions not stated): gnomAD 0.00003; gnomAD exomes 0.00026; ExAC 0.00090.
gnomAD v4.1: 114 of 449,580 alleles (0.025%); highest among the groups gnomAD compares: East Asian, 0.18%; 1 homozygote.

Submission:

PreventionGenetics, part of Exact Sciences
Classification: Likely benign for FMN2-related condition. Last evaluated: 2023-08-15. Review status: criteria provided, single submitter. Criteria: ACMG Guidelines, 2015. Collection method: clinical testing. Allele origin: germline.
Comment: This variant is classified as likely benign based on ACMG/AMP sequence variant interpretation guidelines (Richards et al. 2015 PMID: 25741868, with internal and published modifications).